The following is an entry in ClinVar:

NM_001953.5(TYMP):c.1308dup (p.Trp437fs)

Genes: SCO2 (synthesis of cytochrome C oxidase 2; minus strand), TYMP (thymidine phosphorylase; minus strand), LOC130067862 (ATAC-STARR-seq lymphoblastoid silent region 13986; plus strand). Cytogenetic location: 22q13.33.
Variant type: Duplication.
Coding change: c.1308dup on transcript NM_001953.5 (MANE Select); coding-DNA position 1308, one base duplicated (C; older notation c.1308dupC).
Protein change: p.Trp437fs; shifts the reading frame from tryptophan 437.
Molecular consequence: frameshift variant. On other transcripts: intron variant (2).
Genome position (GRCh38, 1-based): chr22:50,525,911, G duplicated on the plus strand (C on the coding strand, the reverse complement: TYMP is on the minus strand); the first of 5 consecutive G bases (chr22:50,525,911-50,525,915); duplicating any one gives the same sequence. VCF-style (leftmost placement, unchanged base first): chr22-50525910-A-AG. GRCh37 (hg19) VCF-style: chr22-50964339-A-AG.
Other names: c.1308dup, p.Trp437fs (NM_001113755.3, NM_001113756.3, NM_001257988.1); c.1323dup, p.Trp442fs (NM_001257989.1); c.-14+335dup (NM_001169109.2); c.-14+90dup (NM_001169110.1); c.1323dupC (NM_001257989.1); short protein forms W437fs, W442fs.
Identifiers: ClinVar variation 554264 (VCV000554264.4), dbSNP rs1471478620, ClinGen allele CA640357321.

ClinVar aggregate classification (germline): Likely pathogenic. Review status: criteria provided, single submitter (1 of 4 stars). 2 submissions from 2 submitters: Likely pathogenic (1). 1 of the submissions does not count toward it. Last evaluated 2024-07-18.

Conditions:
Mitochondrial neurogastrointestinal encephalomyopathy. Also called: Mitochondrial neurogastrointestinal encephalopathy syndrome; MNGIE syndrome; Thymidine phosphorylase deficiency. Identifiers: Orphanet 298, MedGen C0872218, MONDO:0017575.
Mitochondrial DNA depletion syndrome 1. Also called: Mitochondrial DNA depletion syndrome 1 (MNGIE type); Mitochondrial neurogastrointestinal encephalomyopathy syndrome; Mitochondrial Neurogastrointestinal Encephalopathy Disease; MITOCHONDRIAL NEUROGASTROINTESTINAL ENCEPHALOPATHY SYNDROME, TYMP-RELATED; MNGIE, TYMP-RELATED; Mitochondrial DNA Depletion Syndrome, MNGIE Form. Identifiers: Orphanet 298, MedGen C4551995, MONDO:0011283, OMIM 603041.

Submissions (2):

Natera, Inc.
Classification: Likely pathogenic for Mitochondrial neurogastrointestinal encephalomyopathy. Last evaluated: 2024-07-18. Review status: criteria provided, single submitter. Criteria: Natera Variant Classification Schema (03/2026). Collection method: clinical testing. Allele origin: germline.
Comment: The c.1308dupC variant in TYMP is a frameshift variant predicted to elongate the protein beyond the termination codon. This variant is expected to result in nonsense mediated decay, truncation, or a dysfunctional protein product. This variant is rare in the general population with a frequency below the threshold expected for the associated phenotype(s). Given the available evidence, this variant is classified as Likely Pathogenic.

Counsyl
Classification: Likely pathogenic for Mitochondrial DNA depletion syndrome 1. Last evaluated: 2017-10-10. Review status: no assertion criteria provided. Collection method: clinical testing. Allele origin: unknown. Not counted in ClinVar's aggregate classification.